The following is an entry in ClinVar:

ClinVar aggregate classification (germline): Pathogenic. Review status: criteria provided, single submitter (1 of 4 stars). 2 submissions from 2 submitters: Pathogenic (1). 1 of the submissions does not count toward it. Last evaluated 2024-08-27.

Conditions:
Neurodevelopmental disorder with epilepsy and hypoplasia of the corpus callosum. Identifiers: MedGen C4748137, MONDO:0060761, OMIM 618090.

gnomAD v4.1: 11 of 1,606,528 alleles (0.00068%); highest among the groups gnomAD compares: South Asian, 0.0034%; no homozygotes.

Submissions (2):

3billion
Classification: Pathogenic for Neurodevelopmental disorder with epilepsy and hypoplasia of the corpus callosum. Last evaluated: 2024-08-27. Review status: criteria provided, single submitter. Criteria: ACMG Guidelines, 2015. Collection method: clinical testing. Allele origin: germline. Affected: yes.
Comment: The variant is observed at an extremely low frequency in the gnomAD v4.0.0 dataset (total allele frequency: <0.001%). Predicted Consequence/Location: Stop-gained (nonsense): predicted to result in a loss or disruption of normal protein function through nonsense-mediated decay (NMD) or protein truncation. Multiple pathogenic variants are reported downstream of the variant. The variant has been reported to be associated with LNPK related disorder (3billion dataset). Therefore, this variant is classified as Pathogenic according to the recommendation of ACMG/AMP guideline.

OMIM
Classification: Pathogenic for NEURODEVELOPMENTAL DISORDER WITH EPILEPSY AND HYPOPLASIA OF THE CORPUS CALLOSUM. Last evaluated: 2026-09-14. Review status: no assertion criteria provided. Collection method: literature only. Allele origin: germline. Not counted in ClinVar's aggregate classification.

Literature cited by the submitters: PubMed 37794925 (cited by OMIM).

NM_030650.3(LNPK):c.889C>T (p.Arg297Ter)

Gene: LNPK (lunapark, ER junction formation factor; minus strand). Cytogenetic location: 2q31.1.
Variant type: single nucleotide variant.
Coding change: c.889C>T on transcript NM_030650.3 (MANE Select); coding-DNA position 889, C replaced by T.
Protein change: p.Arg297Ter; replaces arginine 297 with a stop codon.
Molecular consequence: nonsense. On other transcripts: non-coding transcript variant (1).
Genome position (GRCh38, 1-based): chr2:175,937,509, G>A on the plus strand (C>T on the coding strand, the complement: LNPK is on the minus strand). VCF-style: chr2-175937509-G-A. GRCh37 (hg19) VCF-style: chr2-176802237-G-A.
Other names: c.1087C>T, p.Arg363Ter (NM_001305008.1); c.982C>T, p.Arg328Ter (NM_001305009.1); c.895C>T, p.Arg299Ter (NM_001305010.1); c.520C>T, p.Arg174Ter (NM_001305011.2); short protein forms R174*, R297*, R299*, R328*, R363*.
Identifiers: ClinVar variation 4293138 (VCV004293138.2).